The following is an entry in ClinVar:

NM_001698.3(AUH):c.261A>T (p.Arg87=)

Gene: AUH (AU RNA binding methylglutaconyl-CoA hydratase; minus strand). Cytogenetic location: 9q22.31.
Variant type: single nucleotide variant.
Coding change: c.261A>T on transcript NM_001698.3 (MANE Select); coding-DNA position 261, A replaced by T.
Protein change: p.Arg87=; no amino-acid change (arginine 87 retained).
Molecular consequence: synonymous variant. On other transcripts: 5 prime UTR variant (3).
Genome position (GRCh38, 1-based): chr9:91,361,629, T>A on the plus strand (A>T on the coding strand, the complement: AUH is on the minus strand). VCF-style: chr9-91361629-T-A. GRCh37 (hg19) VCF-style: chr9-94123911-T-A.
Other names: c.261A>T, p.Arg87= (NM_001306190.2); c.-137A>T (NM_001351431.2, NM_001351433.2); c.-229A>T (NM_001351432.2).
Identifiers: ClinVar variation 1410501 (VCV001410501.4), dbSNP rs2132125368, ClinGen allele CA466232100.

ClinVar aggregate classification (germline): Uncertain significance (1 of 4 stars; one submission).

Conditions:
3-methylglutaconic aciduria type 1 (MGCA1). Identifiers: Orphanet 67046, MedGen C0342727, MONDO:0009610, OMIM 250950.

Allele frequency attached by ClinVar (database versions not stated): gnomAD exomes below 0.00001.
gnomAD v4.1: 1 of 1,580,210 alleles (0.000063%); highest among the groups gnomAD compares: Non-Finnish European, 0.000086%; no homozygotes.

Submission:

Labcorp Genetics (formerly Invitae), Labcorp
Classification: Uncertain significance for 3-methylglutaconic aciduria type 1. Last evaluated: 2023-07-29. Review status: criteria provided, single submitter. Criteria: Invitae Variant Classification Sherloc (09022015). Collection method: clinical testing. Allele origin: germline.
Comment: ClinVar contains an entry for this variant (Variation ID: 1410501). This variant has not been reported in the literature in individuals affected with AUH-related conditions. This variant is not present in population databases (gnomAD no frequency). This sequence change affects codon 87 of the AUH mRNA. It is a 'silent' change, meaning that it does not change the encoded amino acid sequence of the AUH protein. It affects a nucleotide within the consensus splice site. Algorithms developed to predict the effect of sequence changes on RNA splicing suggest that this variant may disrupt the consensus splice site. In summary, the available evidence is currently insufficient to determine the role of this variant in disease. Therefore, it has been classified as a Variant of Uncertain Significance.